The following is an entry in ClinVar:

ClinVar aggregate classification (germline): Benign/Likely benign. Review status: criteria provided, multiple submitters, no conflicts (2 of 4 stars). 5 submissions from 5 submitters: Benign (1); Likely benign (4). Last evaluated 2026-01-24.

Conditions:
CLPB-related disorder. Also called: CLPB-related condition.
3-methylglutaconic aciduria, type VIIB (MGCA7B). Also called: 3-methylglutaconic aciduria, type VII, with cataracts, neurologic involvement and neutropenia; CLPB Deficiency; 3-methylglutaconic aciduria with cataracts, neurologic involvement and neutropenia. Identifiers: Orphanet 445038, MedGen C5676893, MONDO:0014561, OMIM 616271.

Allele frequency attached by ClinVar (database versions not stated): gnomAD 0.00014 and 0.00027; TOPMed 0.00016; 1000 Genomes Project 30x 0.00031; gnomAD exomes 0.00035; ExAC 0.00039; 1000 Genomes Project 0.00040.
gnomAD v4.1: 345 of 1,611,822 alleles (0.021%); highest among the groups gnomAD compares: East Asian, 0.34%; 3 homozygotes.

Submissions (5):

Labcorp Genetics (formerly Invitae), Labcorp
Classification: Benign for 3-methylglutaconic aciduria, type VIIB. Last evaluated: 2026-01-24. Review status: criteria provided, single submitter. Criteria: Invitae Variant Classification Sherloc (09022015). Collection method: clinical testing. Allele origin: germline.

PreventionGenetics, part of Exact Sciences
Classification: Likely benign for CLPB-related condition. Last evaluated: 2025-12-26. Review status: criteria provided, single submitter. Criteria: ACMG Guidelines, 2015. Collection method: clinical testing. Allele origin: germline.
Comment: This variant is classified as likely benign based on ACMG/AMP sequence variant interpretation guidelines (Richards et al. 2015 PMID: 25741868, with internal and published modifications).

CeGaT Center for Human Genetics Tuebingen
Classification: Likely benign. Last evaluated: 2025-11-01. Review status: criteria provided, single submitter. Criteria: CeGaT Center For Human Genetics Tuebingen Variant Classification Criteria Version 2. Collection method: clinical testing. Allele origin: germline. Affected: yes. Observed: 2 variant alleles.
Comment: CLPB: BP4, BP7

Blueprint Genetics
Classification: Likely benign. Last evaluated: 2024-11-05. Review status: criteria provided, single submitter. Criteria: ACMG Guidelines, 2015. Collection method: clinical testing. Allele origin: germline.

GeneDx
Classification: Likely benign. Last evaluated: 2018-04-17. Review status: criteria provided, single submitter. Criteria: GeneDx Variant Classification (06012015). Collection method: clinical testing. Allele origin: germline. Affected: yes.
Comment: This variant is considered likely benign or benign based on one or more of the following criteria: it is a conservative change, it occurs at a poorly conserved position in the protein, it is predicted to be benign by multiple in silico algorithms, and/or has population frequency not consistent with disease.

NM_001258392.3(CLPB):c.135G>T (p.Pro45=)

Genes: CLPB (ClpB family mitochondrial disaggregase; minus strand), LOC130006336 (ATAC-STARR-seq lymphoblastoid active region 5191; plus strand). Cytogenetic location: 11q13.4.
Variant type: single nucleotide variant.
Coding change: c.135G>T on transcript NM_001258392.3 (MANE Select); coding-DNA position 135, G replaced by T.
Protein change: p.Pro45=; no amino-acid change (proline 45 retained).
Molecular consequence: synonymous variant. On other transcripts: 5 prime UTR variant (1).
Genome position (GRCh38, 1-based): chr11:72,434,340, C>A on the plus strand (G>T on the coding strand, the complement: CLPB is on the minus strand). VCF-style: chr11-72434340-C-A. GRCh37 (hg19) VCF-style: chr11-72145384-C-A.
Other names: c.135G>T, p.Pro45= (NM_001258393.3, NM_030813.6); c.-108G>T (NM_001258394.3).
Identifiers: ClinVar variation 681464 (VCV000681464.18), dbSNP rs534420559, ClinGen allele CA6171669.